The following is an entry in ClinVar:

ClinVar aggregate classification (germline): Uncertain significance. Review status: criteria provided, multiple submitters, no conflicts (2 of 4 stars). 2 submissions from 2 submitters: Uncertain significance (2). Last evaluated 2023-09-27.

Conditions:
Hereditary hemorrhagic telangiectasia (HHT). Also called: ORW DISEASE; Osler Weber Rendu syndrome; OSLER-RENDU-WEBER DISEASE; Osler hemorrhagic telangiectasia syndrome. Identifiers: Orphanet 774, MedGen C0039445, MONDO:0019180. Disease mechanism: loss of function.

Submissions (2):

Labcorp Genetics (formerly Invitae), Labcorp
Classification: Uncertain significance for Hereditary hemorrhagic telangiectasia. Last evaluated: 2023-09-27. Review status: criteria provided, single submitter. Criteria: Invitae Variant Classification Sherloc (09022015). Collection method: clinical testing. Allele origin: germline.
Comment: This variant has not been reported in the literature in individuals affected with ENG-related conditions. In summary, the available evidence is currently insufficient to determine the role of this variant in disease. Therefore, it has been classified as a Variant of Uncertain Significance. An algorithm developed to predict the effect of missense changes on protein structure and function (PolyPhen-2) suggests that this variant is likely to be tolerated. This variant is not present in population databases (gnomAD no frequency). This sequence change replaces alanine, which is neutral and non-polar, with threonine, which is neutral and polar, at codon 425 of the ENG protein (p.Ala425Thr).

Blueprint Genetics
Classification: Uncertain significance. Last evaluated: 2021-06-18. Review status: criteria provided, single submitter. Criteria: ACMG Guidelines, 2015. Collection method: clinical testing. Allele origin: germline.

NM_001114753.3(ENG):c.1273G>A (p.Ala425Thr)

Genes: ENG (endoglin; minus strand), LOC102723566 (uncharacterized LOC102723566; plus strand). Cytogenetic location: 9q34.11.
Variant type: single nucleotide variant.
Coding change: c.1273G>A on transcript NM_001114753.3 (MANE Select); coding-DNA position 1273, G replaced by A.
Protein change: p.Ala425Thr; replaces alanine 425 with threonine.
Molecular consequence: missense variant.
Genome position (GRCh38, 1-based): chr9:127,819,660, C>T on the plus strand (G>A on the coding strand, the complement: ENG is on the minus strand). VCF-style: chr9-127819660-C-T. GRCh37 (hg19) VCF-style: chr9-130581939-C-T.
Other names: c.1273G>A, p.Ala425Thr (NM_000118.4); c.727G>A, p.Ala243Thr (NM_001278138.2); short protein forms A243T, A425T.
Identifiers: ClinVar variation 2763712 (VCV002763712.4), dbSNP rs2539063320, ClinGen allele CA374978161.